The following is an entry in ClinVar:

NM_004525.3(LRP2):c.12494G>T (p.Arg4165Leu)

Gene: LRP2 (LDL receptor related protein 2; minus strand). Cytogenetic location: 2q31.1.
Variant type: single nucleotide variant.
Coding change: c.12494G>T on transcript NM_004525.3 (MANE Select); coding-DNA position 12494, G replaced by T.
Protein change: p.Arg4165Leu; replaces arginine 4165 with leucine.
Molecular consequence: missense variant.
Genome position (GRCh38, 1-based): chr2:169,150,994, C>A on the plus strand (G>T on the coding strand, the complement: LRP2 is on the minus strand). VCF-style: chr2-169150994-C-A. GRCh37 (hg19) VCF-style: chr2-170007504-C-A.
Other names: c.12494G>T (NM_004525.2); short protein forms R4165L.
Identifiers: ClinVar variation 1004723 (VCV001004723.6), dbSNP rs201763999, ClinGen allele CA1952789.

ClinVar aggregate classification (germline): Uncertain significance. Review status: criteria provided, multiple submitters, no conflicts (2 of 4 stars). 4 submissions from 4 submitters: Uncertain significance (4). Last evaluated 2024-03-07.

Conditions:
Inborn genetic diseases. Identifiers: MedGen C0950123, MeSH D030342.
Donnai-Barrow syndrome. Also called: DBS/FOAR SYNDROME; FACIOOCULOACOUSTICORENAL SYNDROME. Identifiers: Orphanet 2143, MedGen C1857277, MONDO:0009104, OMIM 222448.

Allele frequency attached by ClinVar (database versions not stated): TOPMed 0.00006; ESP Exome Variant Server 0.00015; 1000 Genomes Project 30x 0.00016.
gnomAD v4.1: 58 of 1,614,004 alleles (0.0036%); highest among the groups gnomAD compares: Admixed American, 0.025%; no homozygotes.

Submissions (4):

Fulgent Genetics
Classification: Uncertain significance for Donnai-Barrow syndrome. Last evaluated: 2024-03-07. Review status: criteria provided, single submitter. Criteria: ACMG Guidelines, 2015. Collection method: clinical testing. Allele origin: germline.

Ambry Genetics
Classification: Uncertain significance for Inborn genetic diseases. Last evaluated: 2024-01-22. Review status: criteria provided, single submitter. Criteria: Ambry Variant Classification Scheme 2023. Collection method: clinical testing. Allele origin: germline.

GeneDx
Classification: Uncertain significance. Last evaluated: 2023-06-29. Review status: criteria provided, single submitter. Criteria: GeneDx Variant Classification Process June 2021. Collection method: clinical testing. Allele origin: germline. Affected: yes.
Comment: In silico analysis supports that this missense variant has a deleterious effect on protein structure/function; Has not been previously published as pathogenic or benign to our knowledge

Labcorp Genetics (formerly Invitae), Labcorp
Classification: Uncertain significance. Last evaluated: 2022-07-30. Review status: criteria provided, single submitter. Criteria: Invitae Variant Classification Sherloc (09022015). Collection method: clinical testing. Allele origin: germline.
Comment: This sequence change replaces arginine, which is basic and polar, with leucine, which is neutral and non-polar, at codon 4165 of the LRP2 protein (p.Arg4165Leu). This variant is present in population databases (rs201763999, gnomAD 0.03%). This variant has not been reported in the literature in individuals affected with LRP2-related conditions. ClinVar contains an entry for this variant (Variation ID: 1004723). Advanced modeling of protein sequence and biophysical properties (such as structural, functional, and spatial information, amino acid conservation, physicochemical variation, residue mobility, and thermodynamic stability) performed at Invitae indicates that this missense variant is not expected to disrupt LRP2 protein function. In summary, the available evidence is currently insufficient to determine the role of this variant in disease. Therefore, it has been classified as a Variant of Uncertain Significance.